The following is an entry in ClinVar:

ClinVar aggregate classification (germline): Conflicting classifications of pathogenicity. Review status: criteria provided, conflicting classifications (1 of 4 stars). 5 submissions from 5 submitters: Uncertain significance (1); Benign (2); Likely benign (2). Last evaluated 2025-11-18.

Conditions:
Vitreoretinopathy. Also called: Vitreoretinal degeneration. Identifiers: MedGen C0344290, MONDO:0020248, HP:0007773.
Inborn genetic diseases. Identifiers: MedGen C0950123, MeSH D030342.

Allele frequency attached by ClinVar (database versions not stated): gnomAD exomes 0.00014 and 0.00036; gnomAD 0.00017 and 0.00019; TOPMed 0.00020; ExAC 0.00030; ESP Exome Variant Server 0.00046.
gnomAD v4.1: 265 of 1,613,852 alleles (0.016%); highest among the groups gnomAD compares: Non-Finnish European, 0.0026%; no homozygotes.

Submissions (5):

Labcorp Genetics (formerly Invitae), Labcorp
Classification: Benign. Last evaluated: 2025-11-18. Review status: criteria provided, single submitter. Criteria: Invitae Variant Classification Sherloc (09022015). Collection method: clinical testing. Allele origin: germline.

Ambry Genetics
Classification: Uncertain significance for Inborn genetic diseases. Last evaluated: 2025-05-28. Review status: criteria provided, single submitter. Criteria: Ambry Variant Classification Scheme 2023. Collection method: clinical testing. Allele origin: germline.

Blueprint Genetics
Classification: Likely benign. Last evaluated: 2024-11-21. Review status: criteria provided, single submitter. Criteria: ACMG Guidelines, 2015. Collection method: clinical testing. Allele origin: germline.

Illumina Laboratory Services, Illumina
Classification: Benign for Vitreoretinopathy. Last evaluated: 2018-01-13. Review status: criteria provided, single submitter. Criteria: ICSL Variant Classification Criteria 13 December 2019. Collection method: clinical testing. Allele origin: germline.
Comment: This variant was observed in the ICSL laboratory as part of a predisposition screen in an ostensibly healthy population. It had not been previously curated by ICSL or reported in the Human Gene Mutation Database (HGMD: prior to June 1st, 2018), and was therefore a candidate for classification through an automated scoring system. Utilizing variant allele frequency, disease prevalence and penetrance estimates, and inheritance mode, an automated score was calculated to assess if this variant is too frequent to cause the disease. Based on the score and internal cut-off values, a variant classified as benign is not then subjected to further curation. The score for this variant resulted in a classification of benign for this disease.

Breakthrough Genomics
Classification: Likely benign. Review status: criteria provided, single submitter. Criteria: ACMG Guidelines, 2015. Collection method: not provided. Allele origin: germline. Inheritance: Autosomal dominant inheritance. Affected: yes.

NM_004385.5(VCAN):c.2315C>G (p.Ala772Gly)

Gene: VCAN (versican; plus strand). Cytogenetic location: 5q14.3.
Variant type: single nucleotide variant.
Coding change: c.2315C>G on transcript NM_004385.5 (MANE Select); coding-DNA position 2315, C replaced by G.
Protein change: p.Ala772Gly; replaces alanine 772 with glycine.
Molecular consequence: missense variant. On other transcripts: intron variant (2).
Genome position (GRCh38, 1-based): chr5:83,520,621, C>G. VCF-style: chr5-83520621-C-G. GRCh37 (hg19) VCF-style: chr5-82816440-C-G.
Other names: c.2315C>G, p.Ala772Gly (NM_001164098.2); c.1042+8225C>G (NM_001164097.2, NM_001126336.3); short protein forms A772G.
Identifiers: ClinVar variation 354405 (VCV000354405.20), dbSNP rs141007991, ClinGen allele CA3332826.